The following is an entry in ClinVar:

ClinVar aggregate classification (germline): Uncertain significance. Review status: criteria provided, multiple submitters, no conflicts (2 of 4 stars). 3 submissions from 3 submitters: Uncertain significance (3). Last evaluated 2025-02-08.

Conditions:
Inborn genetic diseases. Identifiers: MedGen C0950123, MeSH D030342.
Peroxisome biogenesis disorder 5A (Zellweger) (PBD5A). Identifiers: Orphanet 912, MedGen C3553940, MONDO:0013932, OMIM 614866.

Allele frequency attached by ClinVar (database versions not stated): TOPMed 0.00001; gnomAD exomes below 0.00001.
gnomAD v4.1: 3 of 1,612,202 alleles (0.00019%); highest among the groups gnomAD compares: Non-Finnish European, 0.00025%; no homozygotes.

Submissions (3):

Ambry Genetics
Classification: Uncertain significance for Inborn genetic diseases. Last evaluated: 2025-02-08. Review status: criteria provided, single submitter. Criteria: Ambry Variant Classification Scheme 2023. Collection method: clinical testing. Allele origin: germline.

Labcorp Genetics (formerly Invitae), Labcorp
Classification: Uncertain significance for Peroxisome biogenesis disorder 5A (Zellweger). Last evaluated: 2022-10-18. Review status: criteria provided, single submitter. Criteria: Invitae Variant Classification Sherloc (09022015). Collection method: clinical testing. Allele origin: germline.
Comment: This sequence change replaces glutamine, which is neutral and polar, with arginine, which is basic and polar, at codon 39 of the PEX2 protein (p.Gln39Arg). This variant is present in population databases (no rsID available, gnomAD 0.0009%). This variant has not been reported in the literature in individuals affected with PEX2-related conditions. ClinVar contains an entry for this variant (Variation ID: 908442). Advanced modeling of protein sequence and biophysical properties (such as structural, functional, and spatial information, amino acid conservation, physicochemical variation, residue mobility, and thermodynamic stability) performed at Invitae indicates that this missense variant is not expected to disrupt PEX2 protein function. In summary, the available evidence is currently insufficient to determine the role of this variant in disease. Therefore, it has been classified as a Variant of Uncertain Significance.

Illumina Laboratory Services, Illumina
Classification: Uncertain significance for Peroxisome biogenesis disorder 5A (Zellweger). Last evaluated: 2018-01-13. Review status: criteria provided, single submitter. Criteria: ICSL Variant Classification Criteria 13 December 2019. Collection method: clinical testing. Allele origin: germline.

NM_000318.3(PEX2):c.116A>G (p.Gln39Arg)

Gene: PEX2 (peroxisomal biogenesis factor 2; minus strand). Cytogenetic location: 8q21.13.
Variant type: single nucleotide variant.
Coding change: c.116A>G on transcript NM_000318.3 (MANE Select); coding-DNA position 116, A replaced by G.
Protein change: p.Gln39Arg; replaces glutamine 39 with arginine.
Molecular consequence: missense variant.
Genome position (GRCh38, 1-based): chr8:76,984,063, T>C on the plus strand (A>G on the coding strand, the complement: PEX2 is on the minus strand). VCF-style: chr8-76984063-T-C. GRCh37 (hg19) VCF-style: chr8-77896299-T-C.
Other names: c.116A>G, p.Gln39Arg (NM_001079867.2, NM_001172086.2, NM_001172087.2); short protein forms Q39R.
Identifiers: ClinVar variation 908442 (VCV000908442.9), dbSNP rs1427212561, ClinGen allele CA371558061.
Genomic context (GRCh38, chr8:76,984,063, plus strand): 5'-CACGCTTTCACCTCTGGCTCAAAGCGAGCTAACAGCCCAGGTTTAAATCCATGAAAGCAC[T>C]GAGTAAACTGGGACCAAACTAGCTGCTCCAGGGCCTTGTTTAGTTCAAGTGCATCCAACT-3'
Protein context (NP_000309.2, residues 29-49): LEQLVWSQFT[Gln39Arg]CFHGFKPGLL